The following is an entry in ClinVar:

NM_032043.3(BRIP1):c.2131A>C (p.Thr711Pro)

Gene: BRIP1 (BRCA1 interacting DNA helicase 1; minus strand). Cytogenetic location: 17q23.2.
Variant type: single nucleotide variant.
Coding change: c.2131A>C on transcript NM_032043.3 (MANE Select); coding-DNA position 2131, A replaced by C.
Protein change: p.Thr711Pro; replaces threonine 711 with proline.
Molecular consequence: missense variant.
Genome position (GRCh38, 1-based): chr17:61,744,558, T>G on the plus strand (A>C on the coding strand, the complement: BRIP1 is on the minus strand). VCF-style: chr17-61744558-T-G. GRCh37 (hg19) VCF-style: chr17-59821919-T-G.
Other names: short protein forms T711P.
Identifiers: ClinVar variation 1011702 (VCV001011702.10), dbSNP rs760515227, ClinGen allele CA400483252.

ClinVar aggregate classification (germline): Uncertain significance (1 of 4 stars; one submission).

Conditions:
Familial cancer of breast. Also called: hereditary breast carcinoma; BREAST CANCER, FAMILIAL; Hereditary breast cancer. Identifiers: Orphanet 227535, MedGen C0346153, MONDO:0016419, OMIM 114480. Disease mechanism: loss of function.
Fanconi anemia complementation group J. Also called: BRIP1-Related Fanconi Anemia. Identifiers: Orphanet 84, MedGen C1836860, MONDO:0012187, OMIM 609054.

Submission:

Labcorp Genetics (formerly Invitae), Labcorp
Classification: Uncertain significance for Familial cancer of breast; Fanconi anemia complementation group J. Last evaluated: 2025-03-03. Review status: criteria provided, single submitter. Criteria: Invitae Variant Classification Sherloc (09022015). Collection method: clinical testing. Allele origin: germline.
Comment: This sequence change replaces threonine, which is neutral and polar, with proline, which is neutral and non-polar, at codon 711 of the BRIP1 protein (p.Thr711Pro). This variant is not present in population databases (gnomAD no frequency). This variant has not been reported in the literature in individuals affected with BRIP1-related conditions. ClinVar contains an entry for this variant (Variation ID: 1011702). Invitae Evidence Modeling of protein sequence and biophysical properties (such as structural, functional, and spatial information, amino acid conservation, physicochemical variation, residue mobility, and thermodynamic stability) has been performed for this missense variant. However, the output from this modeling did not meet the statistical confidence thresholds required to predict the impact of this variant on BRIP1 protein function. In summary, the available evidence is currently insufficient to determine the role of this variant in disease. Therefore, it has been classified as a Variant of Uncertain Significance.